The following is an entry in ClinVar:

ClinVar aggregate classification (germline): Uncertain significance (1 of 4 stars; one submission).

Submission:

GeneDx
Classification: Uncertain significance. Last evaluated: 2025-02-20. Review status: criteria provided, single submitter. Criteria: GeneDx Variant Classification Process June 2021. Collection method: clinical testing. Allele origin: germline.
Comment: Not observed at significant frequency in large population cohorts (gnomAD); In silico analysis supports that this missense variant has a deleterious effect on protein structure/function; Has not been previously published as pathogenic or benign to our knowledge

NM_020964.3(EPG5):c.3938A>C (p.Gln1313Pro)

Gene: EPG5 (ectopic P-granules 5 autophagy tethering factor; minus strand). Cytogenetic location: 18q21.1.
Variant type: single nucleotide variant.
Coding change: c.3938A>C on transcript NM_020964.3 (MANE Select); coding-DNA position 3938, A replaced by C.
Protein change: p.Gln1313Pro; replaces glutamine 1313 with proline.
Molecular consequence: missense variant.
Genome position (GRCh38, 1-based): chr18:45,912,335, T>G on the plus strand (A>C on the coding strand, the complement: EPG5 is on the minus strand). VCF-style: chr18-45912335-T-G. GRCh37 (hg19) VCF-style: chr18-43492300-T-G.
Other names: c.3938A>C, p.Gln1313Pro (NM_001410858.1, NM_001410859.1); short protein forms Q1313P.
Identifiers: ClinVar variation 3340734 (VCV003340734.2).